The following is an entry in ClinVar:

ClinVar aggregate classification (germline): Likely benign. Review status: criteria provided, multiple submitters, no conflicts (2 of 4 stars). 3 submissions from 3 submitters: Likely benign (2). 1 of the submissions does not count toward it. Last evaluated 2025-09-27.

Conditions:
FG syndrome (FGS). Identifiers: MedGen C0220769, MONDO:0002010.
Familial thoracic aortic aneurysm and aortic dissection (TAAD). Also called: Thoracic aortic aneurysms and dissections. Identifiers: Orphanet 91387, MedGen C4707243, MONDO:0019625.
MED12-Related Disorders. Also called: MED12-related disorder; MED12-related condition. Identifiers: MedGen CN381102.

Allele frequency attached by ClinVar (database versions not stated): gnomAD exomes 0.00001; TOPMed 0.00001.
gnomAD v4.1: 5 of 1,211,892 alleles (0.00041%); highest among the groups gnomAD compares: Admixed American, 0.0065%; no homozygotes.

Submissions (3):

Labcorp Genetics (formerly Invitae), Labcorp
Classification: Likely benign for FG syndrome. Last evaluated: 2025-09-27. Review status: criteria provided, single submitter. Criteria: Invitae Variant Classification Sherloc (09022015). Collection method: clinical testing. Allele origin: germline.

Ambry Genetics
Classification: Likely benign for Familial thoracic aortic aneurysm and aortic dissection. Last evaluated: 2022-05-30. Review status: criteria provided, single submitter. Criteria: Ambry Variant Classification Scheme 2023. Collection method: clinical testing. Allele origin: germline.

PreventionGenetics, part of Exact Sciences
Classification: Likely benign for MED12-related condition. Last evaluated: 2023-08-22. Review status: no assertion criteria provided. Collection method: clinical testing. Allele origin: germline. Not counted in ClinVar's aggregate classification.
Comment: This variant is classified as likely benign based on ACMG/AMP sequence variant interpretation guidelines (Richards et al. 2015 PMID: 25741868, with internal and published modifications).

NM_005120.3(MED12):c.1098A>G (p.Leu366=)

Gene: MED12 (mediator complex subunit 12; plus strand). Cytogenetic location: Xq13.1.
Variant type: single nucleotide variant.
Coding change: c.1098A>G on transcript NM_005120.3 (MANE Select); coding-DNA position 1098, A replaced by G.
Protein change: p.Leu366=; no amino-acid change (leucine 366 retained).
Molecular consequence: synonymous variant.
Genome position (GRCh38, 1-based): chrX:71,121,813, A>G. VCF-style: chrX-71121813-A-G. GRCh37 (hg19) VCF-style: chrX-70341663-A-G.
Identifiers: ClinVar variation 746522 (VCV000746522.13), dbSNP rs1325162892, ClinGen allele CA516818532.
Genomic context (GRCh38, chrX:71,121,813, plus strand): 5'-TAGTGACCTGCTTATGTGCCCTCAGCACCGGCCCCTGGTTTTTGGCCTCAGCTGTATCCT[A>G]CAGGTAGGTACTAGGCGGGCCCAAGGAAGCATTGAGAGATAGCCTGAGAAGAATCAGGTG-3'
Protein context (NP_005111.2, residues 356-376): RPLVFGLSCI[Leu366=]QTILLCCPSA